The following is an entry in ClinVar:

ClinVar aggregate classification (germline): Uncertain significance (1 of 4 stars; one submission).

Conditions:
FG syndrome (FGS). Identifiers: MedGen C0220769, MONDO:0002010.

Submission:

Labcorp Genetics (formerly Invitae), Labcorp
Classification: Uncertain significance for FG syndrome. Last evaluated: 2023-03-22. Review status: criteria provided, single submitter. Criteria: Invitae Variant Classification Sherloc (09022015). Collection method: clinical testing. Allele origin: germline.
Comment: This sequence change replaces proline, which is neutral and non-polar, with threonine, which is neutral and polar, at codon 1932 of the MED12 protein (p.Pro1932Thr). This variant is not present in population databases (gnomAD no frequency). This variant has not been reported in the literature in individuals affected with MED12-related conditions. Algorithms developed to predict the effect of missense changes on protein structure and function output the following: SIFT: "Not Available"; PolyPhen-2: "Possibly Damaging"; Align-GVGD: "Not Available". The threonine amino acid residue is found in multiple mammalian species, which suggests that this missense change does not adversely affect protein function. In summary, the available evidence is currently insufficient to determine the role of this variant in disease. Therefore, it has been classified as a Variant of Uncertain Significance.

NM_005120.3(MED12):c.5794C>A (p.Pro1932Thr)

Gene: MED12 (mediator complex subunit 12; plus strand). Cytogenetic location: Xq13.1.
Variant type: single nucleotide variant.
Coding change: c.5794C>A on transcript NM_005120.3 (MANE Select); coding-DNA position 5794, C replaced by A.
Protein change: p.Pro1932Thr; replaces proline 1932 with threonine.
Molecular consequence: missense variant.
Genome position (GRCh38, 1-based): chrX:71,137,603, C>A. VCF-style: chrX-71137603-C-A. GRCh37 (hg19) VCF-style: chrX-70357453-C-A.
Other names: short protein forms P1932T.
Identifiers: ClinVar variation 2848379 (VCV002848379.3), dbSNP rs2519714925, ClinGen allele CA413537884.